The following is an entry in ClinVar:

ClinVar aggregate classification (germline): Uncertain significance (0 of 4 stars; one submission).

Conditions:
SHANK1-related disorder. Also called: SHANK1-related condition.

Submission:

PreventionGenetics, part of Exact Sciences
Classification: Uncertain significance for SHANK1-related condition. Last evaluated: 2024-07-06. Review status: no assertion criteria provided. Collection method: clinical testing. Allele origin: germline.
Comment: The SHANK1 c.6259_6267dup9 variant is predicted to result in an in-frame duplication (p.Asp2087_Pro2089dup). To our knowledge, this variant has not been reported in the literature or in a large population database, indicating this variant is rare. At this time, the clinical significance of this variant is uncertain due to the absence of conclusive functional and genetic evidence.

NM_016148.5(SHANK1):c.6259_6267dup (p.Pro2089_Phe2090insAspLysPro)

Gene: SHANK1 (SH3 and multiple ankyrin repeat domains 1; minus strand). Cytogenetic location: 19q13.33.
Variant type: Duplication.
Coding change: c.6259_6267dup on transcript NM_016148.5 (MANE Select); coding-DNA positions 6259 to 6267, 9 bases duplicated (GACAAGCCG; older notation c.6259_6267dupGACAAGCCG).
Protein change: p.Pro2089_Phe2090insAspLysPro.
Molecular consequence: inframe insertion.
Genome position (GRCh38, 1-based): chr19:50,662,184-50,662,192, CGGCTTGTC duplicated on the plus strand (GACAAGCCG on the coding strand, the reverse complement: SHANK1 is on the minus strand); duplicating any 9 consecutive bases within chr19:50,662,184-50,662,195 gives the same sequence; the c. name uses the placement nearest the transcript's 3' end. VCF-style (leftmost placement, unchanged base first): chr19-50662183-A-ACGGCTTGTC. GRCh37 (hg19) VCF-style: chr19-51165440-A-ACGGCTTGTC.
Identifiers: ClinVar variation 3348095 (VCV003348095.1).